The following is an entry in ClinVar:

NM_058216.3(RAD51C):c.242C>A (p.Ser81Ter)

Gene: RAD51C (RAD51 paralog C; plus strand). Cytogenetic location: 17q22.
Variant type: single nucleotide variant.
Coding change: c.242C>A on transcript NM_058216.3 (MANE Select); coding-DNA position 242, C replaced by A.
Protein change: p.Ser81Ter; replaces serine 81 with a stop codon.
Molecular consequence: nonsense. On other transcripts: non-coding transcript variant (2).
Genome position (GRCh38, 1-based): chr17:58,695,027, C>A. VCF-style: chr17-58695027-C-A. GRCh37 (hg19) VCF-style: chr17-56772388-C-A.
Other names: c.242C>A, p.Ser81Ter (NM_002876.4); short protein forms S81*.
Identifiers: ClinVar variation 3774468 (VCV003774468.1).

ClinVar aggregate classification (germline): Likely pathogenic (1 of 4 stars; one submission).

Conditions:
Hereditary cancer-predisposing syndrome. Also called: Tumor predisposition; Hereditary Cancer Syndrome; Neoplastic Syndromes, Hereditary; Hereditary neoplastic syndrome. Identifiers: Orphanet 140162, MedGen C0027672, MeSH D009386, MONDO:0015356.

Submission:

Molecular Diagnostics Laboratory, Catalan Institute of Oncology
Classification: Likely pathogenic for Hereditary cancer-predisposing syndrome. Last evaluated: 2024-10-28. Review status: criteria provided, single submitter. Criteria: ACMG Guidelines, 2015. Collection method: clinical testing. Allele origin: germline.
Comment: PVS1, PM2_Supporting c.242C>A, located in exon 2 of the RAD51C gene, is a nonsense variant expected to result in loss of function by premature protein truncation and nonsense-mediated mRNA decay, p.(Ser81*) (PVS1). No effect is predicted on splicing by SpliceAI. It is not present in the population database gnomAD v2.1.1, non cancer dataset (PM2_supporting). To our knowledge, neither relevant clinical data nor well-stablished functional studies have been reported for this variant. Also, the variant has not been reported neither in ClinVar nor in LOVD databases. Based on the currently available information, c.242C>A is classified as a likely pathogenic variant according to ACMG guidelines.